The following is an entry in ClinVar:

ClinVar aggregate classification (germline): Uncertain significance (1 of 4 stars; one submission).

Allele frequency attached by ClinVar (database versions not stated): ExAC 0.00001; gnomAD exomes 0.00001.
gnomAD v4.1: 8 of 1,612,540 alleles (0.0005%); highest among the groups gnomAD compares: Admixed American, 0.0017%; no homozygotes.

Submission:

Labcorp Genetics (formerly Invitae), Labcorp
Classification: Uncertain significance. Last evaluated: 2022-03-11. Review status: criteria provided, single submitter. Criteria: Invitae Variant Classification Sherloc (09022015). Collection method: clinical testing. Allele origin: germline.
Comment: In summary, the available evidence is currently insufficient to determine the role of this variant in disease. Therefore, it has been classified as a Variant of Uncertain Significance. Advanced modeling of protein sequence and biophysical properties (such as structural, functional, and spatial information, amino acid conservation, physicochemical variation, residue mobility, and thermodynamic stability) performed at Invitae indicates that this missense variant is expected to disrupt GRM6 protein function. This variant has not been reported in the literature in individuals affected with GRM6-related conditions. This variant is present in population databases (rs751758654, gnomAD 0.003%). This sequence change replaces valine, which is neutral and non-polar, with alanine, which is neutral and non-polar, at codon 830 of the GRM6 protein (p.Val830Ala).

NM_000843.4(GRM6):c.2489T>C (p.Val830Ala)

Genes: GRM6 (glutamate metabotropic receptor 6; minus strand), ZNF454 (zinc finger protein 454; plus strand). Cytogenetic location: 5q35.3.
Variant type: single nucleotide variant.
Coding change: c.2489T>C on transcript NM_000843.4 (MANE Select); coding-DNA position 2489, T replaced by C.
Protein change: p.Val830Ala; replaces valine 830 with alanine.
Molecular consequence: missense variant.
Genome position (GRCh38, 1-based): chr5:178,981,802, A>G on the plus strand (T>C on the coding strand, the complement: GRM6 is on the minus strand). VCF-style: chr5-178981802-A-G. GRCh37 (hg19) VCF-style: chr5-178408803-A-G.
Other names: short protein forms V830A.
Identifiers: ClinVar variation 1900257 (VCV001900257.5), dbSNP rs751758654, ClinGen allele CA3593524.
Genomic context (GRCh38, chr5:178,981,802, plus strand): 5'-TTCTGCTCTGGATGGAAGAGGATGACGTAGGTTTTGGGTACGTAGAGCATGCCGAGGGAC[A>G]CCGAGGCACTCAGGCTCAAGGACACGGTTAGCGTGGTTGTCTGGATGTAGATCTAGGCCA-3'
Protein context (NP_000834.2, residues 820-840): LTVSLSLSAS[Val830Ala]SLGMLYVPKT